The following is an entry in ClinVar:

ClinVar aggregate classification (germline): Uncertain significance (1 of 4 stars; one submission).

Submission:

GeneDx
Classification: Uncertain significance. Last evaluated: 2022-01-17. Review status: criteria provided, single submitter. Criteria: GeneDx Variant Classification Process June 2021. Collection method: clinical testing. Allele origin: germline. Affected: yes.
Comment: Not observed at significant frequency in large population cohorts (gnomAD); In silico analysis supports that this missense variant does not alter protein structure/function; Has not been previously published as pathogenic or benign to our knowledge

NM_001385012.1(NBEA):c.3421A>C (p.Asn1141His)

Gene: NBEA (neurobeachin; plus strand). Cytogenetic location: 13q13.3.
Variant type: single nucleotide variant.
Coding change: c.3421A>C on transcript NM_001385012.1 (MANE Select); coding-DNA position 3421, A replaced by C.
Protein change: p.Asn1141His; replaces asparagine 1141 with histidine.
Molecular consequence: missense variant.
Genome position (GRCh38, 1-based): chr13:35,159,592, A>C. VCF-style: chr13-35159592-A-C. GRCh37 (hg19) VCF-style: chr13-35733729-A-C.
Other names: c.3421A>C, p.Asn1141His (NM_001379245.1, NM_015678.5); short protein forms N1141H.
Identifiers: ClinVar variation 1697100 (VCV001697100.2), dbSNP rs1192689106, ClinGen allele CA387837743.
Genomic context (GRCh38, chr13:35,159,592, plus strand): 5'-AATGAAGAAAAGGATAATGGTCCATTGATAACATTAGCAGATGAGAAAGAAGACCTTCCC[A>C]ATAGTAGTACATCATTTCTCTTTGATAAAATACCCAAACAGGAGGAAAAACTACTTCCTG-3'
Protein context (NP_001371941.1, residues 1131-1151): TLADEKEDLP[Asn1141His]SSTSFLFDKI